The following is an entry in ClinVar:

NM_001250.6(CD40):c.694G>A (p.Glu232Lys)

Gene: CD40 (CD40 molecule; plus strand). Cytogenetic location: 20q13.12.
Variant type: single nucleotide variant.
Coding change: c.694G>A on transcript NM_001250.6 (MANE Select); coding-DNA position 694, G replaced by A.
Protein change: p.Glu232Lys; replaces glutamic acid 232 with lysine.
Molecular consequence: missense variant. On other transcripts: 3 prime UTR variant (3), non-coding transcript variant (2).
Genome position (GRCh38, 1-based): chr20:46,128,900, G>A. VCF-style: chr20-46128900-G-A. GRCh37 (hg19) VCF-style: chr20-44757539-G-A.
Other names: c.*20G>A (NM_001302753.2, NM_001362758.2, NM_152854.4); c.706G>A, p.Glu236Lys (NM_001322421.2); c.538G>A, p.Glu180Lys (NM_001322422.2); short protein forms E236K, E232K, E180K.
Identifiers: ClinVar variation 2079504 (VCV002079504.4), dbSNP rs1265183669, ClinGen allele CA409211582.

ClinVar aggregate classification (germline): Uncertain significance (1 of 4 stars; one submission).

Allele frequency attached by ClinVar (database versions not stated): TOPMed below 0.00001; gnomAD 0.00001.
gnomAD v4.1: 2 of 1,614,006 alleles (0.00012%); highest among the groups gnomAD compares: Non-Finnish European, 0.00017%; no homozygotes.

Submission:

Labcorp Genetics (formerly Invitae), Labcorp
Classification: Uncertain significance. Last evaluated: 2022-07-18. Review status: criteria provided, single submitter. Criteria: Invitae Variant Classification Sherloc (09022015). Collection method: clinical testing. Allele origin: germline.
Comment: In summary, the available evidence is currently insufficient to determine the role of this variant in disease. Therefore, it has been classified as a Variant of Uncertain Significance. Algorithms developed to predict the effect of missense changes on protein structure and function (SIFT, PolyPhen-2, Align-GVGD) all suggest that this variant is likely to be tolerated. This variant has not been reported in the literature in individuals affected with CD40-related conditions. This variant is not present in population databases (gnomAD no frequency). This sequence change replaces glutamic acid, which is acidic and polar, with lysine, which is basic and polar, at codon 232 of the CD40 protein (p.Glu232Lys).